The following is an entry in ClinVar:

ClinVar aggregate classification (germline): Uncertain significance (1 of 4 stars; one submission).

gnomAD v4.1: 18 of 1,612,304 alleles (0.0011%); highest among the groups gnomAD compares: Non-Finnish European, 0.0014%; no homozygotes.

Submission:

Labcorp Genetics (formerly Invitae), Labcorp
Classification: Uncertain significance. Last evaluated: 2025-05-15. Review status: criteria provided, single submitter. Criteria: Invitae Variant Classification Sherloc (09022015). Collection method: clinical testing. Allele origin: germline.
Comment: This sequence change replaces alanine, which is neutral and non-polar, with serine, which is neutral and polar, at codon 387 of the TERF2IP protein (p.Ala387Ser). This variant is present in population databases (no rsID available, gnomAD 0.004%). This variant has not been reported in the literature in individuals affected with TERF2IP-related conditions. An algorithm developed to predict the effect of missense changes on protein structure and function (PolyPhen-2) suggests that this variant is likely to be tolerated. In summary, the available evidence is currently insufficient to determine the role of this variant in disease. Therefore, it has been classified as a Variant of Uncertain Significance.

NM_018975.4(TERF2IP):c.1159G>T (p.Ala387Ser)

Gene: TERF2IP (TERF2 interacting protein; plus strand). Cytogenetic location: 16q23.1.
Variant type: single nucleotide variant.
Coding change: c.1159G>T on transcript NM_018975.4 (MANE Select); coding-DNA position 1159, G replaced by T.
Protein change: p.Ala387Ser; replaces alanine 387 with serine.
Molecular consequence: missense variant. On other transcripts: non-coding transcript variant (1).
Genome position (GRCh38, 1-based): chr16:75,656,570, G>T. VCF-style: chr16-75656570-G-T. GRCh37 (hg19) VCF-style: chr16-75690468-G-T.
Other names: short protein forms A387S.
Identifiers: ClinVar variation 4752140 (VCV004752140.1).